The following is an entry in ClinVar:

NM_002693.3(POLG):c.428C>T (p.Ala143Val)

Genes: POLG (DNA polymerase gamma, catalytic subunit; minus strand), POLGARF (POLG alternative reading frame; minus strand). Cytogenetic location: 15q26.1.
Variant type: single nucleotide variant.
Coding change: c.428C>T on transcript NM_002693.3 (MANE Select); coding-DNA position 428, C replaced by T.
Protein change: p.Ala143Val; replaces alanine 143 with valine.
Molecular consequence: missense variant.
Genome position (GRCh38, 1-based): chr15:89,333,327, G>A on the plus strand (C>T on the coding strand, the complement: POLG is on the minus strand). VCF-style: chr15-89333327-G-A. GRCh37 (hg19) VCF-style: chr15-89876558-G-A.
Other names: c.428C>T, p.Ala143Val (NM_001126131.2); short protein forms A143V.
Identifiers: ClinVar variation 206577 (VCV000206577.68), dbSNP rs796052899, ClinGen allele CA316798.

ClinVar aggregate classification (germline): Pathogenic/Likely pathogenic. Review status: criteria provided, multiple submitters, no conflicts (2 of 4 stars). 10 submissions from 10 submitters: Pathogenic (8); Likely pathogenic (2). Last evaluated 2025-12-20.

Conditions:
POLG-related disorder. Also called: POLG-Related Spectrum Disorders; POLG-related condition; POLG-Related Disorders. Identifiers: MedGen C4763519.
Progressive sclerosing poliodystrophy (MTDPS4A). Also called: Mitochondrial DNA depletion syndrome 4A (Alpers type); Mitochondrial DNA Depletion Syndrome 4A; ALPERS PROGRESSIVE INFANTILE POLIODYSTROPHY; Alpers-Huttenlocher Syndrome; Alpers Syndrome; ALPERS DIFFUSE DEGENERATION OF CEREBRAL GRAY MATTER WITH HEPATIC CIRRHOSIS. Identifiers: Orphanet 726, MedGen C0205710, MONDO:0008758, OMIM 203700.
Sensory ataxic neuropathy, dysarthria, and ophthalmoparesis (SANDO). Also called: Sensory ataxic neuropathy-dysarthria-ophthalmoparesis syndrome; Ataxia Neuropathy Spectrum (ANS); SENSORY ATAXIC NEUROPATHY WITH MITOCHONDRIAL DNA DELETIONS, AUTOSOMAL RECESSIVE; Epilepsy, progressive myoclonic, type 5. Identifiers: Orphanet 70595, MedGen C1843851, MONDO:0011835, OMIM 607459.
Autosomal recessive POLG-related disorders.

Allele frequency attached by ClinVar (database versions not stated): gnomAD exomes 0.00002; TOPMed 0.00002; gnomAD 0.00003 and 0.00004.
gnomAD v4.1: 52 of 1,558,994 alleles (0.0033%); highest among the groups gnomAD compares: Non-Finnish European, 0.0043%; no homozygotes.

Submissions (10):

Labcorp Genetics (formerly Invitae), Labcorp
Classification: Pathogenic for Progressive sclerosing poliodystrophy. Last evaluated: 2025-12-20. Review status: criteria provided, single submitter. Criteria: Invitae Variant Classification Sherloc (09022015). Collection method: clinical testing. Allele origin: germline.
Comment: This sequence change replaces alanine, which is neutral and non-polar, with valine, which is neutral and non-polar, at codon 143 of the POLG protein (p.Ala143Val). The frequency data for this variant in the population databases is considered unreliable, as metrics indicate poor data quality at this position in the gnomAD database. This missense change has been observed in individuals with autosomal recessive POLG-related conditions (PMID: 17452231, 19344718, 21880868, 29474836). ClinVar contains an entry for this variant (Variation ID: 206577). Invitae Evidence Modeling of protein sequence and biophysical properties (such as structural, functional, and spatial information, amino acid conservation, physicochemical variation, residue mobility, and thermodynamic stability) indicates that this missense variant is expected to disrupt POLG protein function with a positive predictive value of 95%. For these reasons, this variant has been classified as Pathogenic.

Variantyx, Inc.
Classification: Likely pathogenic for Autosomal recessive POLG-related disorders. Last evaluated: 2025-12-09. Review status: criteria provided, single submitter. Criteria: Variantyx Assertion Criteria 2022. Collection method: clinical testing. Allele origin: germline. Inheritance: Autosomal recessive inheritance. Affected: no.
Comment: This is a nonsynonymous variant in the POLG gene (OMIM: 174763). Pathogenic variants in this gene have been associated with autosomal recessive POLG-related disorders. This variant has been identified in the homozygous or compound heterozygous state in at least 4 individuals reported in the published literature (PMID: 29474836, 21880868, 38703036) (PM3_Strong). Multiple computational algorithms predict a deleterious effect for this variant (REVEL score: 0.941) (PP3). This variant has a 0.0043% maximum allele frequency in non-founder control populations (PM2). Based on the current evidence, this variant is classified as likely pathogenic for autosomal recessive POLG-related disorders.

Athena Diagnostics
Classification: Pathogenic. Last evaluated: 2025-04-01. Review status: criteria provided, single submitter. Criteria: Athena Diagnostics Criteria. Collection method: clinical testing. Allele origin: unknown.
Comment: The frequency of this variant in the general population is consistent with pathogenicity. This variant has been identified in multiple unrelated individuals with autosomal recessive POLG-related disorders. This variant has also been reported heterozygous in at least one affected individual. In multiple individuals, this variant has been seen with a single recessive pathogenic variant in the same gene, suggesting this variant may also be pathogenic. Polyphen and MutationTaster predict this amino acid change may be damaging to the protein.

CeGaT Center for Human Genetics Tuebingen
Classification: Pathogenic. Last evaluated: 2025-03-01. Review status: criteria provided, single submitter. Criteria: CeGaT Center For Human Genetics Tuebingen Variant Classification Criteria Version 2. Collection method: clinical testing. Allele origin: germline. Affected: yes. Observed: 2 variant alleles.
Comment: POLG: PM3:Very Strong, PM2, PP3

Blueprint Genetics
Classification: Pathogenic for POLG-related disorders. Last evaluated: 2024-06-05. Review status: criteria provided, single submitter. Criteria: ACMG Guidelines, 2015. Collection method: clinical testing. Allele origin: germline. Affected: yes. Observed: 4 variant alleles.

Baylor Genetics
Classification: Pathogenic for Progressive sclerosing poliodystrophy. Last evaluated: 2024-03-07. Review status: criteria provided, single submitter. Criteria: ACMG Guidelines, 2015. Collection method: clinical testing. Allele origin: unknown.

Women's Health and Genetics/Laboratory Corporation of America, LabCorp
Classification: Pathogenic for POLG-related disorder. Last evaluated: 2023-01-18. Review status: criteria provided, single submitter. Criteria: LabCorp Variant Classification Summary - May 2015. Collection method: clinical testing. Allele origin: germline.
Comment: Variant summary: POLG c.428C>T (p.Ala143Val) results in a non-conservative amino acid change located in the DNA mitochondrial polymerase, exonuclease domain (IPR041336) of the encoded protein sequence. Five of five in-silico tools predict a damaging effect of the variant on protein function. The variant allele was found at a frequency of 2.4e-05 in 168520 control chromosomes. c.428C>T has been reported in the literature as biallelic homozygous or compound heterozygous genotypes in multiple individuals affected with features of POLG-Related Spectrum Disorders (example, Sarzi_2007, Amiot_2009, Tang_2011, Nuzhnyi_2021). These data indicate that the variant is very likely to be associated with disease. To our knowledge, no experimental evidence demonstrating an impact on protein function has been reported. Six clinical diagnostic laboratories have submitted clinical-significance assessments for this variant to ClinVar after 2014 without evidence for independent evaluation. Multiple laboratories reported the variant with conflicting assessments (P/LP, n=4; VUS, n=2). Based on the evidence outlined above, the variant was classified as pathogenic.

MGZ Medical Genetics Center
Classification: Likely pathogenic for Sensory ataxic neuropathy, dysarthria, and ophthalmoparesis. Last evaluated: 2021-11-16. Review status: criteria provided, single submitter. Criteria: ACMG Guidelines, 2015. Collection method: clinical testing. Allele origin: germline. Affected: yes. Observed: 1 variant allele.
Comment: ACMG criteria applied: PM3_STR, PS4_MOD, PM2_SUP, PP3, PP4

Illumina Laboratory Services, Illumina
Classification: Pathogenic for POLG-Related Spectrum Disorders. Last evaluated: 2018-10-22. Review status: criteria provided, single submitter. Criteria: ICSL Variant Classification Criteria 09 May 2019. Collection method: clinical testing. Allele origin: germline.
Comment: The POLG c.428C>T (p.Ala143Val) variant has been reported in at least three studies and is found in at least nine probands including eight in a compound heterozygous state, and one in a heterozygous state (Sarzi et al. 2007; Tang et al. 2011; Tchikviladze et al. 2015). An additional proband was found to have the p.Ala143Val variant in a homozygous state with two other variants in POLG in a heterozygous state, one of which reportedly contributes to disease and the other a modifier of disease (Amiot et al. 2009). Control data are unavailable for this variant, which is reported at a frequency of 0.000133 in the European (non-Finnish) population of the Genome Aggregation Database but this is based on two alleles in a region of good sequence coverage, so the variant is presumed to be rare. Based on the evidence the p.Ala143Val variant is classified as pathogenic for POLG-related spectrum disorders. This variant was observed by ICSL as part of a predisposition screen in an ostensibly healthy population.

Wong Mito Lab, Molecular and Human Genetics, Baylor College of Medicine
Classification: Pathogenic for Progressive sclerosing poliodystrophy. Last evaluated: 2018-10-01. Review status: criteria provided, single submitter. Criteria: ACMG Guidelines, 2015. Collection method: clinical testing. Allele origin: germline.
Comment: The NM_002693.2:c.428C>T (NP_002684.1:p.Ala143Val) [GRCH38: NC_000015.10:g.89333327G>A] variant in POLG gene is interpretated to be a Pathogenic based on ACMG guidelines (PMID: 25741868). This variant has been reported in PMID:21880868 . This variant meets the following evidence codes reported in the ACMG-guideline. PS1:This variation causes same amino-acid change as an established pathogenic variant. PM2:This variant is absent in key population databases. PM3:Detected in trans with a pathogenic variant for Mitochondrial DNA depletion syndrome 4A (Alpers type) which is a recessive disorder. PP1:This variant is co-segregated with Mitochondrial DNA depletion syndrome 4A (Alpers type) in multiple affected family members. PP2:This is a missense variant in POLG with a low rate of benign and high rate of pathogenic missense variations. PP4:Patient's phenotype or family history is highly specific for POLG. Based on the evidence criteria codes applied, the variant is suggested to be Pathogenic.

Literature cited by the submitters: PubMed 17452231 (cited by 4 submitters); PubMed 19344718 (cited by 4 submitters); PubMed 21880868 (cited by 6 submitters); PubMed 29474836 (cited by 3 submitters); PubMed 38703036 (cited by Variantyx, Inc.); PubMed 33434755 (cited by Athena Diagnostics and Women's Health and Genetics/Laboratory Corporation of America, LabCorp); PubMed 25118206 (cited by Athena Diagnostics and Illumina Laboratory Services, Illumina); PubMed 24508722 (cited by Athena Diagnostics).